The following is an entry in ClinVar:

NM_134261.3(RORA):c.698_719dup (p.Lys240_Pro241insSerTer)

Genes: RORA (RAR related orphan receptor A; minus strand), RORA-AS1 (RORA antisense RNA 1; plus strand). Cytogenetic location: 15q22.2.
Variant type: Duplication.
Coding change: c.698_719dup on transcript NM_134261.3 (MANE Select); coding-DNA positions 698 to 719, 22 bases duplicated (GTCTTGATATCAATGGAATCAA).
Protein change: p.Lys240_Pro241insSerTer.
Molecular consequence: nonsense, inframe insertion.
Genome position (GRCh38, 1-based): chr15:60,511,327-60,511,348, TTGATTCCATTGATATCAAGAC duplicated on the plus strand (GTCTTGATATCAATGGAATCAA on the coding strand, the reverse complement: RORA is on the minus strand). VCF-style (leftmost placement, unchanged base first): chr15-60511326-T-TTTGATTCCATTGATATCAAGAC. GRCh37 (hg19) VCF-style: chr15-60803525-T-TTTGATTCCATTGATATCAAGAC.
Other names: c.773_794dup, p.Lys265_Pro266insSerTer (NM_002943.4); c.797_818dup, p.Lys273_Pro274insSerTer (NM_134260.3); c.533_554dup, p.Lys185_Pro186insSerTer (NM_134262.3).
Identifiers: ClinVar variation 2672163 (VCV002672163.1), dbSNP rs2542049088, ClinGen allele CA2695197291.

ClinVar aggregate classification (germline): Likely pathogenic (1 of 4 stars; one submission).

Conditions:
Intellectual developmental disorder with or without epilepsy or cerebellar ataxia. Identifiers: MedGen C4748041, MONDO:0060745, OMIM 618060.

Submission:

Clinical Genomics Laboratory, Washington University in St. Louis
Classification: Likely pathogenic for Intellectual developmental disorder with or without epilepsy or cerebellar ataxia. Last evaluated: 2023-10-19. Review status: criteria provided, single submitter. Criteria: ACMG Guidelines, 2015. Collection method: clinical testing. Allele origin: germline. Affected: yes.
Comment: The RORA c.698_719dup (p.Pro241SerfsTer2) variant, to our knowledge, has not been reported in the medical literature and is absent from the general population (gnomAD v.2.1.1), indicating it is not a common variant. This variant causes a frameshift by duplicating 22 nucleotides, leading to a premature termination codon, which is predicted to lead to nonsense mediated decay. Additionally, other frameshift variants in this region have been described in affected individuals and are considered pathogenic (Guissart C et al., PMID: 29656859). Based on available information and the ACMG/AMP guidelines for variant interpretation (Richards S et al., PMID: 25741868), this variant is classified as likely pathogenic.